The following is an entry in ClinVar:

ClinVar aggregate classification (germline): Pathogenic (1 of 4 stars; one submission).

Conditions:
Familial cancer of breast. Also called: BREAST CANCER, FAMILIAL; Hereditary breast cancer; hereditary breast carcinoma. Identifiers: Orphanet 227535, MedGen C0346153, MONDO:0016419, OMIM 114480. Disease mechanism: loss of function.

Submission:

Myriad Genetics, Inc.
Classification: Pathogenic for Familial cancer of breast. Last evaluated: 2024-01-24. Review status: criteria provided, single submitter. Criteria: Myriad Autosomal Dominant, Autosomal Recessive and X-Linked Classification Criteria (2023). Collection method: clinical testing. Allele origin: unknown.
Comment: This variant is considered pathogenic. This variant creates a termination codon and is predicted to result in premature protein truncation.

NM_000051.4(ATM):c.4698dup (p.Asp1567Ter)

Gene: ATM (ATM serine/threonine kinase; plus strand). Cytogenetic location: 11q22.3.
Variant type: Duplication.
Coding change: c.4698dup on transcript NM_000051.4 (MANE Select); coding-DNA position 4698, one base duplicated (T; older notation c.4698dupT).
Protein change: p.Asp1567Ter; replaces aspartic acid 1567 with a stop codon.
Molecular consequence: nonsense.
Genome position (GRCh38, 1-based): chr11:108,293,399, T duplicated. VCF-style (leftmost placement, unchanged base first): chr11-108293398-C-CT. GRCh37 (hg19) VCF-style: chr11-108164125-C-CT.
Other names: c.4698dup, p.Asp1567Ter (NM_001351834.2); short protein forms D1567*.
Identifiers: ClinVar variation 3148625 (VCV003148625.1), dbSNP rs2546931381, ClinGen allele CA2825001889.